The following is an entry in ClinVar:

NM_005956.4(MTHFD1):c.886G>T (p.Glu296Ter)

Gene: MTHFD1 (methylenetetrahydrofolate dehydrogenase, cyclohydrolase and formyltetrahydrofolate synthetase 1; plus strand). Cytogenetic location: 14q23.3.
Variant type: single nucleotide variant.
Coding change: c.886G>T on transcript NM_005956.4 (MANE Select); coding-DNA position 886, G replaced by T.
Protein change: p.Glu296Ter; replaces glutamic acid 296 with a stop codon.
Molecular consequence: nonsense.
Genome position (GRCh38, 1-based): chr14:64,425,760, G>T. VCF-style: chr14-64425760-G-T. GRCh37 (hg19) VCF-style: chr14-64892478-G-T.
Other names: c.886G>T, p.Glu296Ter (NM_001364837.1); short protein forms E296*.
Identifiers: ClinVar variation 3353536 (VCV003353536.2).
Genomic context (GRCh38, chr14:64,425,760, plus strand): 5'-TCTAAGTTTCATTTATTTCATTTTGCTTAGAGCACAGTAGAGAGTGCCAAGCGTTTCCTG[G>T]AGAAATTTAAGCCAGGAAAGTGGATGATTCAGTATAACAACCTTAACCTCAAGACACCTG-3'

ClinVar aggregate classification (germline): Pathogenic. Review status: criteria provided, single submitter (1 of 4 stars). 2 submissions from 2 submitters: Pathogenic (1). 1 of the submissions does not count toward it. Last evaluated 2025-05-13.

Conditions:
MTHFD1-related disorder. Also called: MTHFD1-related condition.

Submissions (2):

Labcorp Genetics (formerly Invitae), Labcorp
Classification: Pathogenic. Last evaluated: 2025-05-13. Review status: criteria provided, single submitter. Criteria: Invitae Variant Classification Sherloc (09022015). Collection method: clinical testing. Allele origin: germline.
Comment: This sequence change creates a premature translational stop signal (p.Glu296*) in the MTHFD1 gene. It is expected to result in an absent or disrupted protein product. Loss-of-function variants in MTHFD1 are known to be pathogenic (PMID: 21813566, 25633902). This variant is not present in population databases (gnomAD no frequency). This variant has not been reported in the literature in individuals affected with MTHFD1-related conditions. ClinVar contains an entry for this variant (Variation ID: 3353536). Algorithms developed to predict the effect of sequence changes on RNA splicing suggest that this variant may disrupt the consensus splice site. For these reasons, this variant has been classified as Pathogenic.

PreventionGenetics, part of Exact Sciences
Classification: Uncertain significance for MTHFD1-related condition. Last evaluated: 2024-08-10. Review status: no assertion criteria provided. Collection method: clinical testing. Allele origin: germline. Not counted in ClinVar's aggregate classification.
Comment: The MTHFD1 c.886G>T variant is predicted to result in premature protein termination (p.Glu296*). To our knowledge, this variant has not been reported in the literature or in a large population database, indicating this variant is rare. Loss-of-function variation in MTHFD1 has not been conclusively established as a mechanism of disease. Therefore, although we suspect that this variant may be pathogenic at this time its clinical significance is uncertain due to the absence of conclusive functional and genetic evidence.

Literature cited by the submitters: PubMed 21813566 (cited by Labcorp Genetics (formerly Invitae), Labcorp); PubMed 25633902 (cited by Labcorp Genetics (formerly Invitae), Labcorp).